The following is an entry in ClinVar:

NM_003242.6(TGFBR2):c.131C>T (p.Ala44Val)

Gene: TGFBR2 (transforming growth factor beta receptor 2; plus strand). Cytogenetic location: 3p24.1.
Variant type: single nucleotide variant.
Coding change: c.131C>T on transcript NM_003242.6 (MANE Select); coding-DNA position 131, C replaced by T.
Protein change: p.Ala44Val; replaces alanine 44 with valine.
Molecular consequence: missense variant. On other transcripts: intron variant (2).
Genome position (GRCh38, 1-based): chr3:30,644,783, C>T. VCF-style: chr3-30644783-C-T. GRCh37 (hg19) VCF-style: chr3-30686275-C-T.
Other names: c.206C>T, p.Ala69Val (NM_001024847.3, NM_001407126.1, NM_001407139.1); c.131C>T, p.Ala44Val (NM_001407127.1, NM_001407130.1); c.158C>T, p.Ala53Val (NM_001407128.1); c.26C>T, p.Ala9Val (NM_001407129.1, NM_001407132.1, NM_001407133.1 and 3 more transcripts); c.169+21510C>T (NM_001407137.1); c.95-26855C>T (NM_001407138.1); short protein forms A53V, A69V, A44V, A9V.
Identifiers: ClinVar variation 2770798 (VCV002770798.4), dbSNP rs759231102, ClinGen allele CA046311.

ClinVar aggregate classification (germline): Uncertain significance. Review status: criteria provided, multiple submitters, no conflicts (2 of 4 stars). 2 submissions from 2 submitters: Uncertain significance (2). Last evaluated 2025-08-30.

Conditions:
Familial thoracic aortic aneurysm and aortic dissection (TAAD). Also called: Thoracic aortic aneurysms and dissections. Identifiers: Orphanet 91387, MedGen C4707243, MONDO:0019625.

Allele frequency attached by ClinVar (database versions not stated): ExAC 0.00001.
gnomAD v4.1: 1 of 1,614,110 alleles (0.000062%); highest among the groups gnomAD compares: Admixed American, 0.0017%; no homozygotes.

Submissions (2):

Color Diagnostics, LLC DBA Color Health
Classification: Uncertain significance for Familial thoracic aortic aneurysm and aortic dissection. Last evaluated: 2025-08-30. Review status: criteria provided, single submitter. Criteria: ACMG Guidelines, 2015. Collection method: clinical testing. Allele origin: germline.
Comment: This missense variant replaces alanine with valine at codon 44 of the TGFBR2 protein. Computational prediction suggests that this variant may not impact protein structure and function. To our knowledge, functional studies have not been reported for this variant. This variant has not been reported in individuals affected with TGFBR2-related disorders in the literature. This variant has been identified in 1/251042 chromosomes in the general population by the Genome Aggregation Database (gnomAD). The available evidence is insufficient to determine the role of this variant in disease conclusively. Therefore, this variant is classified as a Variant of Uncertain Significance.

Labcorp Genetics (formerly Invitae), Labcorp
Classification: Uncertain significance for Familial thoracic aortic aneurysm and aortic dissection. Last evaluated: 2023-12-07. Review status: criteria provided, single submitter. Criteria: Invitae Variant Classification Sherloc (09022015). Collection method: clinical testing. Allele origin: germline.
Comment: This sequence change replaces alanine, which is neutral and non-polar, with valine, which is neutral and non-polar, at codon 44 of the TGFBR2 protein (p.Ala44Val). This variant is present in population databases (rs759231102, gnomAD no frequency). This variant has not been reported in the literature in individuals affected with TGFBR2-related conditions. Advanced modeling of protein sequence and biophysical properties (such as structural, functional, and spatial information, amino acid conservation, physicochemical variation, residue mobility, and thermodynamic stability) performed at Invitae indicates that this missense variant is not expected to disrupt TGFBR2 protein function with a negative predictive value of 95%. In summary, the available evidence is currently insufficient to determine the role of this variant in disease. Therefore, it has been classified as a Variant of Uncertain Significance.